The following is an entry in ClinVar:

NM_177438.3(DICER1):c.3481C>T (p.Pro1161Ser)

Gene: DICER1 (dicer 1, ribonuclease III; minus strand). Cytogenetic location: 14q32.13.
Variant type: single nucleotide variant.
Coding change: c.3481C>T on transcript NM_177438.3 (MANE Select); coding-DNA position 3481, C replaced by T.
Protein change: p.Pro1161Ser; replaces proline 1161 with serine.
Molecular consequence: missense variant. On other transcripts: non-coding transcript variant (6).
Genome position (GRCh38, 1-based): chr14:95,103,915, G>A on the plus strand (C>T on the coding strand, the complement: DICER1 is on the minus strand). VCF-style: chr14-95103915-G-A. GRCh37 (hg19) VCF-style: chr14-95570252-G-A.
Other names: c.3481C>T, p.Pro1161Ser (NM_001291628.2, NM_001395677.1, NM_001395678.1 and 13 more transcripts); c.3199C>T, p.Pro1067Ser (NM_001395686.1); c.3076C>T, p.Pro1026Ser (NM_001395687.1, NM_001395688.1, NM_001395689.1 and 2 more transcripts); c.2914C>T, p.Pro972Ser (NM_001395691.1); c.1798C>T, p.Pro600Ser (NM_001395697.1); short protein forms P972S, P1161S, P1067S, P600S, P1026S.
Identifiers: ClinVar variation 1731848 (VCV001731848.5), dbSNP rs1476564840, ClinGen allele CA390875247.

ClinVar aggregate classification (germline): Uncertain significance. Review status: criteria provided, multiple submitters, no conflicts (2 of 4 stars). 2 submissions from 2 submitters: Uncertain significance (2). Last evaluated 2024-12-19.

Conditions:
DICER1-related tumor predisposition. Also called: DICER1 syndrome; DICER1-related pleuropulmonary blastoma cancer predisposition syndrome. Identifiers: Orphanet 284343, MedGen C3839822, MONDO:0100216.
Hereditary cancer-predisposing syndrome. Also called: Neoplastic Syndromes, Hereditary; Tumor predisposition; Hereditary Cancer Syndrome; Hereditary neoplastic syndrome. Identifiers: Orphanet 140162, MedGen C0027672, MeSH D009386, MONDO:0015356.

Allele frequency attached by ClinVar (database versions not stated): gnomAD 0.00001.
gnomAD v4.1: 1 of 1,614,028 alleles (0.000062%); highest among the groups gnomAD compares: Non-Finnish European, 0.000085%; no homozygotes.

Submissions (2):

Ambry Genetics
Classification: Uncertain significance for Hereditary cancer-predisposing syndrome. Last evaluated: 2024-12-19. Review status: criteria provided, single submitter. Criteria: Ambry Variant Classification Scheme 2023. Collection method: clinical testing. Allele origin: germline.
Comment: The p.P1161S variant (also known as c.3481C>T), located in coding exon 20 of the DICER1 gene, results from a C to T substitution at nucleotide position 3481. The proline at codon 1161 is replaced by serine, an amino acid with similar properties. This amino acid position is well conserved in available vertebrate species. In addition, this alteration is predicted to be tolerated by in silico analysis. Based on the available evidence, the clinical significance of this variant remains unclear.

Labcorp Genetics (formerly Invitae), Labcorp
Classification: Uncertain significance for DICER1-related tumor predisposition. Last evaluated: 2024-07-17. Review status: criteria provided, single submitter. Criteria: Invitae Variant Classification Sherloc (09022015). Collection method: clinical testing. Allele origin: germline.
Comment: This sequence change replaces proline, which is neutral and non-polar, with serine, which is neutral and polar, at codon 1161 of the DICER1 protein (p.Pro1161Ser). This variant is present in population databases (no rsID available, gnomAD 0.007%). This variant has not been reported in the literature in individuals affected with DICER1-related conditions. ClinVar contains an entry for this variant (Variation ID: 1731848). Advanced modeling of protein sequence and biophysical properties (such as structural, functional, and spatial information, amino acid conservation, physicochemical variation, residue mobility, and thermodynamic stability) performed at Invitae indicates that this missense variant is not expected to disrupt DICER1 protein function with a negative predictive value of 80%. In summary, the available evidence is currently insufficient to determine the role of this variant in disease. Therefore, it has been classified as a Variant of Uncertain Significance.